The following is an entry in ClinVar:

NM_000257.4(MYH7):c.2045-189G>T

Gene: MYH7 (myosin heavy chain 7; minus strand). Cytogenetic location: 14q11.2.
Variant type: single nucleotide variant.
Coding change: c.2045-189G>T on transcript NM_000257.4 (MANE Select); 189 bases into the intron before coding-DNA position 2045, G replaced by T.
Molecular consequence: intron variant.
Genome position (GRCh38, 1-based): chr14:23,426,270, C>A on the plus strand (G>T on the coding strand, the complement: MYH7 is on the minus strand). VCF-style: chr14-23426270-C-A. GRCh37 (hg19) VCF-style: chr14-23895479-C-A.
Identifiers: ClinVar variation 671924 (VCV000671924.2), dbSNP rs28475411, ClinGen allele CA257821240.

ClinVar aggregate classification (germline): Benign. Review status: criteria provided, multiple submitters, no conflicts (2 of 4 stars). 2 submissions from 2 submitters: Benign (2). Last evaluated 2018-06-14.

Allele frequency attached by ClinVar (database versions not stated): 1000 Genomes Project 0.12939; gnomAD 0.13351 and 0.13886; 1000 Genomes Project 30x 0.13476; TOPMed 0.14219.
gnomAD v4.1: 20,223 of 152,196 alleles (13%); highest among the groups gnomAD compares: African/African-American, 29%; 2,031 homozygotes.

Submissions (2):

GeneDx
Classification: Benign. Last evaluated: 2018-06-14. Review status: criteria provided, single submitter. Criteria: GeneDx Variant Classification (06012015). Collection method: clinical testing. Allele origin: germline. Affected: yes.
Comment: This variant is considered likely benign or benign based on one or more of the following criteria: it is a conservative change, it occurs at a poorly conserved position in the protein, it is predicted to be benign by multiple in silico algorithms, and/or has population frequency not consistent with disease.

Breakthrough Genomics
Classification: Benign. Review status: criteria provided, single submitter. Criteria: ACMG Guidelines, 2015. Collection method: not provided. Allele origin: germline. Inheritance: Autosomal recessive inheritance. Affected: yes.